The following is an entry in ClinVar:

ClinVar aggregate classification (germline): Likely benign. Review status: criteria provided, single submitter (1 of 4 stars). 2 submissions from 2 submitters: Likely benign (1). 1 of the submissions does not count toward it. Last evaluated 2023-08-03.

Conditions:
CARS2-related disorder. Also called: CARS2-related condition.
Combined oxidative phosphorylation defect type 27. Also called: Combined oxidative phosphorylation deficiency 27. Identifiers: Orphanet 477774, MedGen C5567608, MONDO:0014728, OMIM 616672.

Allele frequency attached by ClinVar (database versions not stated): gnomAD 0.00001 and 0.00002; TOPMed 0.00001; ExAC 0.00004; gnomAD exomes 0.00004.
gnomAD v4.1: 55 of 1,604,798 alleles (0.0034%); highest among the groups gnomAD compares: South Asian, 0.017%; no homozygotes.

Submissions (2):

Labcorp Genetics (formerly Invitae), Labcorp
Classification: Likely benign for Combined oxidative phosphorylation defect type 27. Last evaluated: 2023-08-03. Review status: criteria provided, single submitter. Criteria: Invitae Variant Classification Sherloc (09022015). Collection method: clinical testing. Allele origin: germline.

PreventionGenetics, part of Exact Sciences
Classification: Likely benign for CARS2-related condition. Last evaluated: 2019-09-25. Review status: no assertion criteria provided. Collection method: clinical testing. Allele origin: germline. Not counted in ClinVar's aggregate classification.
Comment: This variant is classified as likely benign based on ACMG/AMP sequence variant interpretation guidelines (Richards et al. 2015 PMID: 25741868, with internal and published modifications).

NM_024537.4(CARS2):c.1161C>T (p.Cys387=)

Gene: CARS2 (cysteinyl-tRNA synthetase 2, mitochondrial; minus strand). Cytogenetic location: 13q34.
Variant type: single nucleotide variant.
Coding change: c.1161C>T on transcript NM_024537.4 (MANE Select); coding-DNA position 1161, C replaced by T.
Protein change: p.Cys387=; no amino-acid change (cysteine 387 retained).
Molecular consequence: synonymous variant. On other transcripts: non-coding transcript variant (2).
Genome position (GRCh38, 1-based): chr13:110,647,133, G>A on the plus strand (C>T on the coding strand, the complement: CARS2 is on the minus strand). VCF-style: chr13-110647133-G-A. GRCh37 (hg19) VCF-style: chr13-111299480-G-A.
Other names: c.375C>T, p.Cys125= (NM_001352252.2).
Identifiers: ClinVar variation 760966 (VCV000760966.12), dbSNP rs772515282, ClinGen allele CA7051893.